The following is an entry in ClinVar:

NM_025144.4(ALPK1):c.3166C>T (p.His1056Tyr)

Gene: ALPK1 (alpha kinase 1; plus strand). Cytogenetic location: 4q25.
Variant type: single nucleotide variant.
Coding change: c.3166C>T on transcript NM_025144.4 (MANE Select); coding-DNA position 3166, C replaced by T.
Protein change: p.His1056Tyr; replaces histidine 1056 with tyrosine.
Molecular consequence: missense variant.
Genome position (GRCh38, 1-based): chr4:112,435,279, C>T. VCF-style: chr4-112435279-C-T. GRCh37 (hg19) VCF-style: chr4-113356435-C-T.
Other names: c.3166C>T, p.His1056Tyr (NM_001102406.2); c.2932C>T, p.His978Tyr (NM_001253884.2); short protein forms H1056Y, H978Y.
Identifiers: ClinVar variation 2776484 (VCV002776484.3), dbSNP rs2476512020, ClinGen allele CA357904669.

ClinVar aggregate classification (germline): Uncertain significance (1 of 4 stars; one submission).

Submission:

Labcorp Genetics (formerly Invitae), Labcorp
Classification: Uncertain significance. Last evaluated: 2023-12-15. Review status: criteria provided, single submitter. Criteria: Invitae Variant Classification Sherloc (09022015). Collection method: clinical testing. Allele origin: germline.
Comment: This sequence change replaces histidine, which is basic and polar, with tyrosine, which is neutral and polar, at codon 1056 of the ALPK1 protein (p.His1056Tyr). This variant is not present in population databases (gnomAD no frequency). This variant has not been reported in the literature in individuals affected with ALPK1-related conditions. Advanced modeling of protein sequence and biophysical properties (such as structural, functional, and spatial information, amino acid conservation, physicochemical variation, residue mobility, and thermodynamic stability) performed at Invitae indicates that this missense variant is expected to disrupt ALPK1 protein function with a positive predictive value of 80%. In summary, the available evidence is currently insufficient to determine the role of this variant in disease. Therefore, it has been classified as a Variant of Uncertain Significance.